The following is an entry in ClinVar:

NM_001039672.3(YIF1B):c.695+1G>A

Gene: YIF1B (Yip1 interacting factor homolog B, membrane trafficking protein; minus strand). Cytogenetic location: 19q13.2.
Variant type: single nucleotide variant.
Coding change: c.695+1G>A on transcript NM_001039672.3 (MANE Select); the canonical splice donor site of the intron after coding-DNA position 695, G replaced by A.
Molecular consequence: splice donor variant.
Genome position (GRCh38, 1-based): chr19:38,307,596, C>T on the plus strand (G>A on the coding strand, the complement: YIF1B is on the minus strand). VCF-style: chr19-38307596-C-T. GRCh37 (hg19) VCF-style: chr19-38798236-C-T.
Other names: c.686+1G>A (NM_001039673.3, NM_001145463.2); c.602+1G>A (NM_001145462.2); c.644+1G>A (NM_001145461.2); c.650+1G>A (NM_001039671.3).
Identifiers: ClinVar variation 3771920 (VCV003771920.13).
Genomic context (GRCh38, chr19:38,307,596, plus strand): 5'-GGAGGCTGTGTGAGGACAAGGCCCAAGGGCTGGGGCTGGCGTGAAGGGCGGGGGTACTCA[C>T]CCGACATATTTGTAGCCCAAGAAGGCCACCAGGTCGATGGTGGTGAGGTCGGTGTTGACA-3'

ClinVar aggregate classification (germline): Likely pathogenic (1 of 4 stars; one submission).

Submission:

CeGaT Center for Human Genetics Tuebingen
Classification: Likely pathogenic. Last evaluated: 2024-12-01. Review status: criteria provided, single submitter. Criteria: CeGaT Center For Human Genetics Tuebingen Variant Classification Criteria Version 2. Collection method: clinical testing. Allele origin: germline. Affected: yes. Observed: 1 variant allele.
Comment: YIF1B: PVS1:Strong, PM2